The following is an entry in ClinVar:

NM_000159.4(GCDH):c.854G>T (p.Gly285Val)

Gene: GCDH (glutaryl-CoA dehydrogenase; plus strand). Cytogenetic location: 19p13.13.
Variant type: single nucleotide variant.
Coding change: c.854G>T on transcript NM_000159.4 (MANE Select); coding-DNA position 854, G replaced by T.
Protein change: p.Gly285Val; replaces glycine 285 with valine.
Molecular consequence: missense variant. On other transcripts: non-coding transcript variant (2).
Genome position (GRCh38, 1-based): chr19:12,896,911, G>T. VCF-style: chr19-12896911-G-T. GRCh37 (hg19) VCF-style: chr19-13007725-G-T.
Other names: c.854G>T, p.Gly285Val (NM_013976.5); short protein forms G285V.
Identifiers: ClinVar variation 3776146 (VCV003776146.1).

ClinVar aggregate classification (germline): Uncertain significance (1 of 4 stars; one submission).

Conditions:
Glutaric aciduria, type 1. Also called: Glutaric acidemia type I; Glutaricaciduria, type I; GA I; Glutaric Acidemia Type 1; Glutaryl-CoA dehydrogenase deficiency; Glutaricacidemia Type 1. Identifiers: Orphanet 25, MedGen C0268595, MONDO:0009281, OMIM 231670.

Submission:

3billion
Classification: Uncertain significance for Glutaric aciduria, type 1. Last evaluated: 2023-06-09. Review status: criteria provided, single submitter. Criteria: ACMG Guidelines, 2015. Collection method: clinical testing. Allele origin: germline. Affected: yes.
Comment: The variant is not observed in the gnomAD v2.1.1 dataset. Predicted Consequence/Location: Missense variant In silico tool predictions suggest damaging effect of the variant on gene or gene product (REVEL: 0.81; 3Cnet: 0.96). Therefore, this variant is classified as VUS according to the recommendation of ACMG/AMP guideline.